The following is an entry in ClinVar:

ClinVar aggregate classification (germline): Uncertain significance (1 of 4 stars; one submission).

Conditions:
Lymphoproliferative syndrome 2 (LPFS2). Also called: CD27 DEFICIENCY; Combined immunodeficiency due to CD27 deficiency. Identifiers: Orphanet 238505, MedGen C3554540, MONDO:0014054, OMIM 615122.

Allele frequency attached by ClinVar (database versions not stated): TOPMed below 0.00001; gnomAD exomes 0.00001 and 0.00002.
gnomAD v4.1: 5 of 1,613,346 alleles (0.00031%); highest among the groups gnomAD compares: Admixed American, 0.0083%; no homozygotes.

Submission:

Labcorp Genetics (formerly Invitae), Labcorp
Classification: Uncertain significance for Lymphoproliferative syndrome 2. Last evaluated: 2022-08-23. Review status: criteria provided, single submitter. Criteria: Invitae Variant Classification Sherloc (09022015). Collection method: clinical testing. Allele origin: germline.
Comment: This variant is present in population databases (no rsID available, gnomAD 0.01%). This variant has not been reported in the literature in individuals affected with CD27-related conditions. ClinVar contains an entry for this variant (Variation ID: 1041505). Algorithms developed to predict the effect of missense changes on protein structure and function (SIFT, PolyPhen-2, Align-GVGD) all suggest that this variant is likely to be disruptive. In summary, the available evidence is currently insufficient to determine the role of this variant in disease. Therefore, it has been classified as a Variant of Uncertain Significance. This sequence change replaces threonine, which is neutral and polar, with isoleucine, which is neutral and non-polar, at codon 99 of the CD27 protein (p.Thr99Ile).

NM_001242.5(CD27):c.296C>T (p.Thr99Ile)

Genes: CD27-AS1 (CD27 antisense RNA 1; minus strand), CD27 (CD27 molecule; plus strand). Cytogenetic location: 12p13.31.
Variant type: single nucleotide variant.
Coding change: c.296C>T on transcript NM_001242.5 (MANE Select); coding-DNA position 296, C replaced by T.
Protein change: p.Thr99Ile; replaces threonine 99 with isoleucine.
Molecular consequence: missense variant.
Genome position (GRCh38, 1-based): chr12:6,450,200, C>T. VCF-style: chr12-6450200-C-T. GRCh37 (hg19) VCF-style: chr12-6559366-C-T.
Other names: short protein forms T99I.
Identifiers: ClinVar variation 1041505 (VCV001041505.9), dbSNP rs1445443950, ClinGen allele CA383549409.